The following is an entry in ClinVar:

ClinVar aggregate classification (germline): Uncertain significance (1 of 4 stars; one submission).

gnomAD v4.1: 8 of 1,614,062 alleles (0.0005%); highest among the groups gnomAD compares: Non-Finnish European, 0.00068%; no homozygotes.

Submission:

GeneDx
Classification: Uncertain significance. Last evaluated: 2023-05-11. Review status: criteria provided, single submitter. Criteria: GeneDx Variant Classification Process June 2021. Collection method: clinical testing. Allele origin: germline. Affected: yes.
Comment: Not observed at significant frequency in large population cohorts (gnomAD); In silico analysis supports that this missense variant has a deleterious effect on protein structure/function; Has not been previously published as pathogenic or benign to our knowledge

NM_018838.5(NDUFA12):c.235G>A (p.Gly79Arg)

Gene: NDUFA12 (NADH:ubiquinone oxidoreductase subunit A12; minus strand). Cytogenetic location: 12q22.
Variant type: single nucleotide variant.
Coding change: c.235G>A on transcript NM_018838.5 (MANE Select); coding-DNA position 235, G replaced by A.
Protein change: p.Gly79Arg; replaces glycine 79 with arginine.
Molecular consequence: missense variant. On other transcripts: intron variant (1).
Genome position (GRCh38, 1-based): chr12:94,994,192, C>T on the plus strand (G>A on the coding strand, the complement: NDUFA12 is on the minus strand). VCF-style: chr12-94994192-C-T. GRCh37 (hg19) VCF-style: chr12-95387968-C-T.
Other names: c.169+8547G>A (NM_001258338.2); short protein forms G79R.
Identifiers: ClinVar variation 3343458 (VCV003343458.1).